The following is an entry in ClinVar:

NM_006922.4(SCN3A):c.695G>A (p.Gly232Asp)

Gene: SCN3A (sodium voltage-gated channel alpha subunit 3; minus strand). Cytogenetic location: 2q24.3.
Variant type: single nucleotide variant.
Coding change: c.695G>A on transcript NM_006922.4 (MANE Select); coding-DNA position 695, G replaced by A.
Protein change: p.Gly232Asp; replaces glycine 232 with aspartic acid.
Molecular consequence: missense variant.
Genome position (GRCh38, 1-based): chr2:165,162,828, C>T on the plus strand (G>A on the coding strand, the complement: SCN3A is on the minus strand). VCF-style: chr2-165162828-C-T. GRCh37 (hg19) VCF-style: chr2-166019338-C-T.
Other names: c.695G>A, p.Gly232Asp (NM_001081676.2, NM_001081677.2); short protein forms G232D.
Identifiers: ClinVar variation 989269 (VCV000989269.13), dbSNP rs1386249705, ClinGen allele CA349239451.

ClinVar aggregate classification (germline): Uncertain significance. Review status: criteria provided, multiple submitters, no conflicts (2 of 4 stars). 3 submissions from 3 submitters: Uncertain significance (3). Last evaluated 2025-02-06.

Conditions:
SCN3A-Related Neurodevelopmental Disorder. Identifiers: MedGen CN381054.

Allele frequency attached by ClinVar (database versions not stated): gnomAD exomes 0.00001; gnomAD 0.00002; TOPMed 0.00002.

Submissions (3):

Labcorp Genetics (formerly Invitae), Labcorp
Classification: Uncertain significance. Last evaluated: 2025-02-06. Review status: criteria provided, single submitter. Criteria: Invitae Variant Classification Sherloc (09022015). Collection method: clinical testing. Allele origin: germline.
Comment: This sequence change replaces glycine, which is neutral and non-polar, with aspartic acid, which is acidic and polar, at codon 232 of the SCN3A protein (p.Gly232Asp). This variant is not present in population databases (gnomAD no frequency). This variant has not been reported in the literature in individuals affected with SCN3A-related conditions. ClinVar contains an entry for this variant (Variation ID: 989269). An algorithm developed to predict the effect of missense changes on protein structure and function (PolyPhen-2) suggests that this variant is likely to be disruptive. In summary, the available evidence is currently insufficient to determine the role of this variant in disease. Therefore, it has been classified as a Variant of Uncertain Significance.

GeneDx
Classification: Uncertain significance. Last evaluated: 2025-01-16. Review status: criteria provided, single submitter. Criteria: GeneDx Variant Classification Process June 2021. Collection method: clinical testing. Allele origin: germline.
Comment: Not observed at significant frequency in large population cohorts (gnomAD); In silico analysis supports that this missense variant has a deleterious effect on protein structure/function; Has not been previously published as pathogenic or benign to our knowledge

Illumina Laboratory Services, Illumina
Classification: Uncertain significance for SCN3A-related neurodevelopmental disorder. Last evaluated: 2019-05-09. Review status: criteria provided, single submitter. Criteria: ICSLVariantClassificationCriteria RUGD 01 April 2020. Collection method: clinical testing. Allele origin: unknown.
Comment: The SCN3A c.695G>A (p.Gly232Asp) variant is a missense variant. A literature search was performed for the gene, cDNA change, and amino acid change. No publications were found based on this search. This variant is not found in the Genome Aggregation Database. Based on the limited evidence, the p.Gly232Asp variant is classified as a variant of uncertain significance for SCN3A-related neurodevelopmental disorder.